The following is an entry in ClinVar:

ClinVar aggregate classification (germline): Uncertain significance (1 of 4 stars; one submission).

gnomAD v4.1: 3 of 1,614,028 alleles (0.00019%); highest among the groups gnomAD compares: Non-Finnish European, 0.00025%; no homozygotes.

Submission:

Ambry Genetics
Classification: Uncertain significance. Last evaluated: 2024-06-27. Review status: criteria provided, single submitter. Criteria: Ambry Variant Classification Scheme 2023. Collection method: clinical testing. Allele origin: germline.
Comment: The p.E931D variant (also known as c.2793G>T), located in coding exon 1 of the MLH3 gene, results from a G to T substitution at nucleotide position 2793. The glutamic acid at codon 931 is replaced by aspartic acid, an amino acid with highly similar properties. This amino acid position is conserved. In addition, this alteration is predicted to be tolerated by in silico analysis. Based on the available evidence, the clinical significance of this variant remains unclear.

NM_001040108.2(MLH3):c.2793G>T (p.Glu931Asp)

Gene: MLH3 (mutL homolog 3; minus strand). Cytogenetic location: 14q24.3.
Variant type: single nucleotide variant.
Coding change: c.2793G>T on transcript NM_001040108.2 (MANE Select); coding-DNA position 2793, G replaced by T.
Protein change: p.Glu931Asp; replaces glutamic acid 931 with aspartic acid.
Molecular consequence: missense variant.
Genome position (GRCh38, 1-based): chr14:75,046,863, C>A on the plus strand (G>T on the coding strand, the complement: MLH3 is on the minus strand). VCF-style: chr14-75046863-C-A. GRCh37 (hg19) VCF-style: chr14-75513566-C-A.
Other names: c.2793G>T, p.Glu931Asp (NM_014381.3); short protein forms E931D.
Identifiers: ClinVar variation 3396633 (VCV003396633.1).
Genomic context (GRCh38, chr14:75,046,863, plus strand): 5'-ACTATTTTTATTAAAGGAATTATCCTGTGTGGCAGAATCTGATGTTGGGATGACACCATT[C>A]TCTGTTTTTTCATGCTTGTTGTTAAATAACATACAAAAATCTTGTGTTAACACACTGCAC-3'
Protein context (NP_001035197.1, residues 921-941): MLFNNKHEKT[Glu931Asp]NGVIPTSDSA